The following is an entry in ClinVar:

ClinVar aggregate classification (germline): Uncertain significance (1 of 4 stars; one submission).

Submission:

Athena Diagnostics
Classification: Uncertain significance. Last evaluated: 2024-03-29. Review status: criteria provided, single submitter. Criteria: Athena Diagnostics Criteria. Collection method: clinical testing. Allele origin: unknown.
Comment: Available data are insufficient to determine the clinical significance of the variant at this time. This variant has not been reported in large, multi-ethnic general populations. Computational tools predict that this variant is not damaging. Greater than 90% of NOTCH3 pathogenic variants associated with CADASIL involve the gain or loss of a cysteine residue within the epidermal growth factor (EGF)-like repeat domain (PMID: 32457593, 20301673).

NM_000435.3(NOTCH3):c.3854G>T (p.Arg1285Leu)

Gene: NOTCH3 (notch receptor 3; minus strand). Cytogenetic location: 19p13.12.
Variant type: single nucleotide variant.
Coding change: c.3854G>T on transcript NM_000435.3 (MANE Select); coding-DNA position 3854, G replaced by T.
Protein change: p.Arg1285Leu; replaces arginine 1285 with leucine.
Molecular consequence: missense variant.
Genome position (GRCh38, 1-based): chr19:15,178,074, C>A on the plus strand (G>T on the coding strand, the complement: NOTCH3 is on the minus strand). VCF-style: chr19-15178074-C-A. GRCh37 (hg19) VCF-style: chr19-15288885-C-A.
Other names: short protein forms R1285L.
Identifiers: ClinVar variation 3571662 (VCV003571662.1).